The following is an entry in ClinVar:

ClinVar aggregate classification (germline): Pathogenic/Likely pathogenic. Review status: criteria provided, multiple submitters, no conflicts (2 of 4 stars). 3 submissions from 3 submitters: Pathogenic (1); Likely pathogenic (1). 1 of the submissions does not count toward it. Last evaluated 2025-06-27.

Conditions:
COL11A2-related disorder. Also called: COL11A2-related condition; COL11A2-related disorders.

Submissions (3):

Labcorp Genetics (formerly Invitae), Labcorp
Classification: Pathogenic. Last evaluated: 2025-06-27. Review status: criteria provided, single submitter. Criteria: Invitae Variant Classification Sherloc (09022015). Collection method: clinical testing. Allele origin: germline.
Comment: This sequence change creates a premature translational stop signal (p.Ile1223Serfs*122) in the COL11A2 gene. It is expected to result in an absent or disrupted protein product. Loss-of-function variants in COL11A2 are known to be pathogenic (PMID: 10677296, 21204229). This variant is not present in population databases (gnomAD no frequency). This variant has not been reported in the literature in individuals affected with COL11A2-related conditions. ClinVar contains an entry for this variant (Variation ID: 2959123). For these reasons, this variant has been classified as Pathogenic.

Blueprint Genetics
Classification: Likely pathogenic for COL11A2-related disorders. Last evaluated: 2019-02-09. Review status: criteria provided, single submitter. Criteria: ACMG Guidelines, 2015. Collection method: clinical testing. Allele origin: germline. Affected: yes. Observed: 1 variant allele.

PreventionGenetics, part of Exact Sciences
Classification: Likely pathogenic for COL11A2-related condition. Last evaluated: 2023-12-21. Review status: no assertion criteria provided. Collection method: clinical testing. Allele origin: germline. Not counted in ClinVar's aggregate classification.
Comment: The COL11A2 c.3666delG variant is predicted to result in a frameshift and premature protein termination (p.Ile1223Serfs*122). To our knowledge, this variant has not been reported in the literature or in a large population database, indicating this variant is rare. Frameshift and other loss of function variants in COL11A2 are expected to be pathogenic and typically associated with autosomal recessive COL11A2-related condition(s) (Melkoniemi et al. 2000. PubMed ID: 10677296; Selvam et al. 2020. PubMed ID: 32341816; Vuoristo et al. 2004. PubMed ID: 15372529). In summary, this variant is interpreted as likely pathogenic.

Literature cited by the submitters: PubMed 10677296 (cited by Labcorp Genetics (formerly Invitae), Labcorp); PubMed 21204229 (cited by Labcorp Genetics (formerly Invitae), Labcorp).

NM_080680.3(COL11A2):c.3666del (p.Ile1223fs)

Gene: COL11A2 (collagen type XI alpha 2 chain; minus strand). Cytogenetic location: 6p21.32.
Variant type: Deletion.
Coding change: c.3666del on transcript NM_080680.3 (MANE Select); coding-DNA position 3666, one base deleted (G; older notation c.3666delG).
Protein change: p.Ile1223fs; shifts the reading frame from isoleucine 1223.
Molecular consequence: frameshift variant.
Genome position (GRCh38, 1-based): chr6:33,169,855, C deleted on the plus strand (G on the coding strand, the reverse complement: COL11A2 is on the minus strand); the first of 3 consecutive C bases (chr6:33,169,855-33,169,857); deleting any one gives the same sequence. VCF-style (leftmost placement, unchanged base first): chr6-33169854-TC-T. GRCh37 (hg19) VCF-style: chr6-33137631-TC-T.
Other names: c.3666delG (NM_080680.2); c.3486del, p.Ile1163fs (NM_001424108.1); c.2820del, p.Ile941fs (NM_001424109.1); c.2640del, p.Ile881fs (NM_001424110.1, NM_001424111.1); c.1620del, p.Ile541fs (NM_001424112.1); c.3345del, p.Ile1116fs (NM_080679.3); c.3408del, p.Ile1137fs (NM_080681.3); short protein forms I541fs, I1223fs, I881fs, I1116fs, I941fs, I1137fs, I1163fs.
Identifiers: ClinVar variation 2959123 (VCV002959123.6), dbSNP rs2534743360, ClinGen allele CA2578581385.